The following is an entry in ClinVar:

ClinVar aggregate classification (germline): Uncertain significance. Review status: criteria provided, multiple submitters, no conflicts (2 of 4 stars). 3 submissions from 3 submitters: Uncertain significance (3). Last evaluated 2025-03-19.

Conditions:
LRP5-related primary osteoporosis. Identifiers: Orphanet 498481, MedGen C5567241, MONDO:0044675.

Allele frequency attached by ClinVar (database versions not stated): gnomAD exomes below 0.00001.
gnomAD v4.1: 2 of 1,613,208 alleles (0.00012%); highest among the groups gnomAD compares: Non-Finnish European, 0.00017%; no homozygotes.

Submissions (3):

Labcorp Genetics (formerly Invitae), Labcorp
Classification: Uncertain significance. Last evaluated: 2025-03-19. Review status: criteria provided, single submitter. Criteria: Invitae Variant Classification Sherloc (09022015). Collection method: clinical testing. Allele origin: germline.
Comment: This sequence change replaces tyrosine, which is neutral and polar, with asparagine, which is neutral and polar, at codon 1573 of the LRP5 protein (p.Tyr1573Asn). This variant is present in population databases (no rsID available, gnomAD 0.0009%). This variant has not been reported in the literature in individuals affected with LRP5-related conditions. ClinVar contains an entry for this variant (Variation ID: 1803207). Invitae Evidence Modeling of protein sequence and biophysical properties (such as structural, functional, and spatial information, amino acid conservation, physicochemical variation, residue mobility, and thermodynamic stability) indicates that this missense variant is not expected to disrupt LRP5 protein function with a negative predictive value of 95%. In summary, the available evidence is currently insufficient to determine the role of this variant in disease. Therefore, it has been classified as a Variant of Uncertain Significance.

Blueprint Genetics
Classification: Uncertain significance. Last evaluated: 2022-09-21. Review status: criteria provided, single submitter. Criteria: ACMG Guidelines, 2015. Collection method: clinical testing. Allele origin: germline.

Genetics and Molecular Pathology, SA Pathology
Classification: Uncertain significance for LRP5-related primary osteoporosis. Last evaluated: 2021-03-15. Review status: criteria provided, single submitter. Criteria: ACMG Guidelines, 2015. Collection method: clinical testing. Allele origin: germline. Affected: yes.

NM_002335.4(LRP5):c.4717T>A (p.Tyr1573Asn)

Gene: LRP5 (LDL receptor related protein 5; plus strand). Cytogenetic location: 11q13.2.
Variant type: single nucleotide variant.
Coding change: c.4717T>A on transcript NM_002335.4 (MANE Select); coding-DNA position 4717, T replaced by A.
Protein change: p.Tyr1573Asn; replaces tyrosine 1573 with asparagine.
Molecular consequence: missense variant.
Genome position (GRCh38, 1-based): chr11:68,448,939, T>A. VCF-style: chr11-68448939-T-A. GRCh37 (hg19) VCF-style: chr11-68216407-T-A.
Other names: c.2974T>A, p.Tyr992Asn (NM_001291902.2); short protein forms Y1573N, Y992N.
Identifiers: ClinVar variation 1803207 (VCV001803207.4), dbSNP rs961052812, ClinGen allele CA224260767.